The following is an entry in ClinVar:

NM_000528.4(MAN2B1):c.773C>T (p.Pro258Leu)

Gene: MAN2B1 (mannosidase alpha class 2B member 1; minus strand). Cytogenetic location: 19p13.13.
Variant type: single nucleotide variant.
Coding change: c.773C>T on transcript NM_000528.4 (MANE Select); coding-DNA position 773, C replaced by T.
Protein change: p.Pro258Leu; replaces proline 258 with leucine.
Molecular consequence: missense variant.
Genome position (GRCh38, 1-based): chr19:12,663,453, G>A on the plus strand (C>T on the coding strand, the complement: MAN2B1 is on the minus strand). VCF-style: chr19-12663453-G-A. GRCh37 (hg19) VCF-style: chr19-12774267-G-A.
Other names: c.773C>T, p.Pro258Leu (NM_001173498.2); short protein forms P258L.
Identifiers: ClinVar variation 1372236 (VCV001372236.3), dbSNP rs1196803371, ClinGen allele CA404252375.

ClinVar aggregate classification (germline): Uncertain significance (1 of 4 stars; one submission).

Conditions:
Deficiency of alpha-mannosidase (MANSA). Also called: Mannosidosis, alpha-, types I and II; LYSOSOMAL ALPHA-D-MANNOSIDASE DEFICIENCY; Alpha-Mannosidosis. Identifiers: Orphanet 61, MedGen C0024748, MONDO:0009561, OMIM 248500.

Allele frequency attached by ClinVar (database versions not stated): gnomAD exomes 0.00002 and 0.00004.
gnomAD v4.1: 10 of 1,614,008 alleles (0.00062%); highest among the groups gnomAD compares: Admixed American, 0.017%; no homozygotes.

Submission:

Labcorp Genetics (formerly Invitae), Labcorp
Classification: Uncertain significance for Deficiency of alpha-mannosidase. Last evaluated: 2022-03-01. Review status: criteria provided, single submitter. Criteria: Invitae Variant Classification Sherloc (09022015). Collection method: clinical testing. Allele origin: germline.
Comment: This sequence change replaces proline, which is neutral and non-polar, with leucine, which is neutral and non-polar, at codon 258 of the MAN2B1 protein (p.Pro258Leu). This variant is present in population databases (no rsID available, gnomAD 0.03%). This variant has not been reported in the literature in individuals affected with MAN2B1-related conditions. Algorithms developed to predict the effect of missense changes on protein structure and function are either unavailable or do not agree on the potential impact of this missense change (SIFT: "Tolerated"; PolyPhen-2: "Possibly Damaging"; Align-GVGD: "Class C0"). In summary, the available evidence is currently insufficient to determine the role of this variant in disease. Therefore, it has been classified as a Variant of Uncertain Significance.